The following is an entry in ClinVar:

NM_000540.3(RYR1):c.8450T>C (p.Ile2817Thr)

Genes: RYR1 (ryanodine receptor 1; plus strand), LOC126862902 (BRD4-independent group 4 enhancer GRCh37_chr19:38995830-38997029; plus strand). Cytogenetic location: 19q13.2.
Variant type: single nucleotide variant.
Coding change: c.8450T>C on transcript NM_000540.3 (MANE Select); coding-DNA position 8450, T replaced by C.
Protein change: p.Ile2817Thr; replaces isoleucine 2817 with threonine.
Molecular consequence: missense variant.
Genome position (GRCh38, 1-based): chr19:38,505,855, T>C. VCF-style: chr19-38505855-T-C. GRCh37 (hg19) VCF-style: chr19-38996495-T-C.
Other names: c.8450T>C, p.Ile2817Thr (NM_001042723.2); short protein forms I2817T.
Identifiers: ClinVar variation 590614 (VCV000590614.11), dbSNP rs369194674, ClinGen allele CA072055.

ClinVar aggregate classification (germline): Uncertain significance. Review status: criteria provided, multiple submitters, no conflicts (2 of 4 stars). 3 submissions from 3 submitters: Uncertain significance (3). Last evaluated 2025-01-15.

Conditions:
RYR1-related disorder. Also called: RYR1-related condition; RYR1-related disorders. Identifiers: MedGen CN239331.
Congenital multicore myopathy with external ophthalmoplegia (CMYO1B). Also called: Congenital myopathy 1B, autosomal recessive; Minicore myopathy; MULTIMINICORE DISEASE WITH EXTERNAL OPHTHALMOPLEGIA; MULTICORE MYOPATHY; Minicore myopathy with external ophthalmoplegia. Identifiers: Orphanet 598, Orphanet 98905, MedGen C1850674, MONDO:0009712, OMIM 255320, HP:0003789.
Central core myopathy (CMYO1A). Also called: CONGENITAL MYOPATHY 1A, AUTOSOMAL DOMINANT, WITH SUSCEPTIBILITY TO MALIGNANT HYPERTHERMIA; Central core disease; Myopathy, central fibrillar. Identifiers: Orphanet 597, MedGen C5830701, MONDO:0007294, OMIM 117000.
Congenital myopathy with fiber type disproportion. Also called: Congenital fiber-type disproportion; Congenital fiber-type disproportion myopathy. Identifiers: Orphanet 2020, MedGen C0546264, MONDO:0009711. Inheritance: all.
King Denborough syndrome (KDS). Identifiers: MedGen C1840365, MONDO:0020485, OMIM 619542.
Malignant hyperthermia, susceptibility to, 1 (MHS1). Also called: Malignant hyperthermia suceptibility 1; Anesthesia related hyperthermia; Malignant hyperpyrexia; Fulminating hyperpyrexia; Pharmacogenic myopathy; RYR1-Related Malignant Hyperthermia Susceptibility. Identifiers: Orphanet 423, MedGen C2930980, MONDO:0007783, OMIM 145600.

Allele frequency attached by ClinVar (database versions not stated): gnomAD exomes 0.00001 and 0.00002; ExAC 0.00002; gnomAD 0.00005 and 0.00006; TOPMed 0.00009; ESP Exome Variant Server 0.00015; 1000 Genomes Project 30x 0.00016.
gnomAD v4.1: 18 of 1,614,012 alleles (0.0011%); highest among the groups gnomAD compares: African/African-American, 0.021%; no homozygotes.

Submissions (3):

Labcorp Genetics (formerly Invitae), Labcorp
Classification: Uncertain significance for RYR1-related disorder. Last evaluated: 2025-01-15. Review status: criteria provided, single submitter. Criteria: Invitae Variant Classification Sherloc (09022015). Collection method: clinical testing. Allele origin: germline.
Comment: This sequence change replaces isoleucine, which is neutral and non-polar, with threonine, which is neutral and polar, at codon 2817 of the RYR1 protein (p.Ile2817Thr). This variant is present in population databases (rs369194674, gnomAD 0.04%). This missense change has been observed in individual(s) with clinical features of RYR1-related conditions (PMID: 32236737). ClinVar contains an entry for this variant (Variation ID: 590614). Invitae Evidence Modeling of protein sequence and biophysical properties (such as structural, functional, and spatial information, amino acid conservation, physicochemical variation, residue mobility, and thermodynamic stability) indicates that this missense variant is not expected to disrupt RYR1 protein function with a negative predictive value of 80%. In summary, the available evidence is currently insufficient to determine the role of this variant in disease. Therefore, it has been classified as a Variant of Uncertain Significance.

PreventionGenetics, part of Exact Sciences
Classification: Uncertain significance for RYR1-related condition. Last evaluated: 2024-12-10. Review status: criteria provided, single submitter. Criteria: ACMG Guidelines, 2015. Collection method: clinical testing. Allele origin: germline.
Comment: The RYR1 c.8450T>C variant is predicted to result in the amino acid substitution p.Ile2817Thr. This variant has been reported in a cohort of individuals with RYR1-related myopathies; however, detailed clinical information was not available (Table S2, Kushnir et al. 2020. PubMed ID: 32236737). This variant is reported in 0.037% of alleles in individuals of African descent in gnomAD. At this time, the clinical significance of this variant is uncertain due to the absence of conclusive functional and genetic evidence.

Fulgent Genetics
Classification: Uncertain significance for Central core myopathy; Malignant hyperthermia, susceptibility to, 1; Congenital myopathy 4A, autosomal dominant; Congenital multicore myopathy with external ophthalmoplegia; King Denborough syndrome. Last evaluated: 2021-11-04. Review status: criteria provided, single submitter. Criteria: ACMG Guidelines, 2015. Collection method: clinical testing. Allele origin: unknown.

Literature cited by the submitters: PubMed 32236737 (cited by Labcorp Genetics (formerly Invitae), Labcorp).